The following is an entry in ClinVar:

ClinVar aggregate classification (germline): Conflicting classifications of pathogenicity. Review status: criteria provided, conflicting classifications (1 of 4 stars). 2 submissions from 2 submitters: Uncertain significance (1); Likely benign (1). Last evaluated 2024-10-15.

Conditions:
Inborn genetic diseases. Identifiers: MedGen C0950123, MeSH D030342.
Autosomal dominant nocturnal frontal lobe epilepsy 5. Also called: Epilepsy, nocturnal frontal lobe, 5; CILIARY DYSKINESIA, PRIMARY, 28, WITHOUT SITUS INVERSUS; CILIARY DYSKINESIA, PRIMARY, 28, WITH SITUS INVERSUS; KCNT1-Related Epilepsy. Identifiers: Orphanet 98784, MedGen C3554306, MONDO:0014002, OMIM 615005.
Developmental and epileptic encephalopathy, 14 (DEE14). Also called: Early infantile epileptic encephalopathy 14. Identifiers: Orphanet 293181, MedGen C3554195, MONDO:0013989, OMIM 614959.

Allele frequency attached by ClinVar (database versions not stated): gnomAD exomes 0.00002; ExAC 0.00003; TOPMed 0.00004; gnomAD 0.00005.
gnomAD v4.1: 31 of 1,599,978 alleles (0.0019%); highest among the groups gnomAD compares: East Asian, 0.0023%; 1 homozygote.

Submissions (2):

Labcorp Genetics (formerly Invitae), Labcorp
Classification: Uncertain significance for Autosomal dominant nocturnal frontal lobe epilepsy 5; Developmental and epileptic encephalopathy, 14. Last evaluated: 2024-10-15. Review status: criteria provided, single submitter. Criteria: Invitae Variant Classification Sherloc (09022015). Collection method: clinical testing. Allele origin: germline.
Comment: This sequence change replaces alanine, which is neutral and non-polar, with threonine, which is neutral and polar, at codon 1100 of the KCNT1 protein (p.Ala1100Thr). The frequency data for this variant in the population databases is considered unreliable, as metrics indicate poor data quality at this position in the gnomAD database. This missense change has been observed in individual(s) with clinical features of KCNT1-related conditins (internal data). ClinVar contains an entry for this variant (Variation ID: 473386). Invitae Evidence Modeling of protein sequence and biophysical properties (such as structural, functional, and spatial information, amino acid conservation, physicochemical variation, residue mobility, and thermodynamic stability) indicates that this missense variant is not expected to disrupt KCNT1 protein function with a negative predictive value of 80%. In summary, the available evidence is currently insufficient to determine the role of this variant in disease. Therefore, it has been classified as a Variant of Uncertain Significance.

Ambry Genetics
Classification: Likely benign for Inborn genetic diseases. Last evaluated: 2024-10-07. Review status: criteria provided, single submitter. Criteria: Ambry Variant Classification Scheme 2023. Collection method: clinical testing. Allele origin: germline.

NM_020822.3(KCNT1):c.3298G>A (p.Ala1100Thr)

Gene: KCNT1 (potassium sodium-activated channel subfamily T member 1; plus strand). Cytogenetic location: 9q34.3.
Variant type: single nucleotide variant.
Coding change: c.3298G>A on transcript NM_020822.3 (MANE Select); coding-DNA position 3298, G replaced by A.
Protein change: p.Ala1100Thr; replaces alanine 1100 with threonine.
Molecular consequence: missense variant.
Genome position (GRCh38, 1-based): chr9:135,786,317, G>A. VCF-style: chr9-135786317-G-A. GRCh37 (hg19) VCF-style: chr9-138678163-G-A.
Other names: c.3163G>A, p.Ala1055Thr (NM_001272003.2); short protein forms A1100T, A1055T.
Identifiers: ClinVar variation 473386 (VCV000473386.9), dbSNP rs769422518, ClinGen allele CA5327776.